The following is an entry in ClinVar:

NM_004415.4(DSP):c.2297+5A>G

Gene: DSP (desmoplakin; plus strand). Cytogenetic location: 6p24.3.
Variant type: single nucleotide variant.
Coding change: c.2297+5A>G on transcript NM_004415.4 (MANE Select); 5 bases into the intron after coding-DNA position 2297, A replaced by G.
Molecular consequence: intron variant.
Genome position (GRCh38, 1-based): chr6:7,574,257, A>G. VCF-style: chr6-7574257-A-G. GRCh37 (hg19) VCF-style: chr6-7574490-A-G.
Other names: c.2297+5A>G (NM_001319034.2, NM_001008844.3).
Identifiers: ClinVar variation 2003832 (VCV002003832.4), dbSNP rs2533904024, ClinGen allele CA2578524173.

ClinVar aggregate classification (germline): Uncertain significance (1 of 4 stars; one submission).

Conditions:
Arrhythmogenic right ventricular dysplasia 8 (ARVD8). Also called: ARRHYTHMOGENIC RIGHT VENTRICULAR CARDIOMYOPATHY 8; Arrhythmogenic Right Ventricular Dysplasia/Cardiomyopathy 8; ARRHYTHMOGENIC RIGHT VENTRICULAR DYSPLASIA, FAMILIAL, 8. Identifiers: MedGen C1843896, MONDO:0011831, OMIM 607450.
Arrhythmogenic cardiomyopathy with wooly hair and keratoderma. Also called: PALMOPLANTAR KERATODERMA WITH LEFT VENTRICULAR CARDIOMYOPATHY AND WOOLLY HAIR; Arrhythmogenic cardiomyopathy with woolly hair and keratoderma; Carvajal syndrome; Dilated cardiomyopathy with woolly hair and keratoderma. Identifiers: Orphanet 65282, MedGen C1854063, MONDO:0011581, OMIM 605676.

Submission:

Labcorp Genetics (formerly Invitae), Labcorp
Classification: Uncertain significance for Arrhythmogenic cardiomyopathy with wooly hair and keratoderma; Arrhythmogenic right ventricular dysplasia 8. Last evaluated: 2022-06-09. Review status: criteria provided, single submitter. Criteria: Invitae Variant Classification Sherloc (09022015). Collection method: clinical testing. Allele origin: germline.
Comment: In summary, the available evidence is currently insufficient to determine the role of this variant in disease. Therefore, it has been classified as a Variant of Uncertain Significance. Variants that disrupt the consensus splice site are a relatively common cause of aberrant splicing (PMID: 17576681, 9536098). Algorithms developed to predict the effect of sequence changes on RNA splicing suggest that this variant is not likely to affect RNA splicing. This variant has not been reported in the literature in individuals affected with DSP-related conditions. This variant is not present in population databases (gnomAD no frequency). This sequence change falls in intron 16 of the DSP gene. It does not directly change the encoded amino acid sequence of the DSP protein. It affects a nucleotide within the consensus splice site.

Literature cited by the submitters: PubMed 17576681; PubMed 9536098.